The following is an entry in ClinVar:

ClinVar aggregate classification (germline): Uncertain significance (1 of 4 stars; one submission).

Submission:

GeneDx
Classification: Uncertain significance. Last evaluated: 2024-07-09. Review status: criteria provided, single submitter. Criteria: GeneDx Variant Classification Process June 2021. Collection method: clinical testing. Allele origin: germline. Affected: yes.
Comment: Not observed at significant frequency in large population cohorts (gnomAD); In silico analysis indicates that this missense variant does not alter protein structure/function; Has not been previously published as pathogenic or benign to our knowledge

NM_001385012.1(NBEA):c.5472T>A (p.Asn1824Lys)

Gene: NBEA (neurobeachin; plus strand). Cytogenetic location: 13q13.3.
Variant type: single nucleotide variant.
Coding change: c.5472T>A on transcript NM_001385012.1 (MANE Select); coding-DNA position 5472, T replaced by A.
Protein change: p.Asn1824Lys; replaces asparagine 1824 with lysine.
Molecular consequence: missense variant.
Genome position (GRCh38, 1-based): chr13:35,208,805, T>A. VCF-style: chr13-35208805-T-A. GRCh37 (hg19) VCF-style: chr13-35782942-T-A.
Other names: c.5463T>A, p.Asn1821Lys (NM_001379245.1); c.5472T>A, p.Asn1824Lys (NM_015678.5); short protein forms N1821K, N1824K.
Identifiers: ClinVar variation 3572796 (VCV003572796.1).